The following is an entry in ClinVar:

NM_003002.4(SDHD):c.370G>T (p.Ala124Ser)

Gene: SDHD (succinate dehydrogenase complex subunit D; plus strand). Cytogenetic location: 11q23.1.
Variant type: single nucleotide variant.
Coding change: c.370G>T on transcript NM_003002.4 (MANE Select); coding-DNA position 370, G replaced by T.
Protein change: p.Ala124Ser; replaces alanine 124 with serine.
Molecular consequence: missense variant. On other transcripts: synonymous variant (1), 3 prime UTR variant (1), non-coding transcript variant (1).
Genome position (GRCh38, 1-based): chr11:112,094,860, G>T. VCF-style: chr11-112094860-G-T. GRCh37 (hg19) VCF-style: chr11-111965584-G-T.
Other names: c.225G>T, p.Leu75= (NM_001276503.2); c.253G>T, p.Ala85Ser (NM_001276504.2); c.*68G>T (NM_001276506.2); short protein forms A124S, A85S.
Identifiers: ClinVar variation 2580089 (VCV002580089.5), dbSNP rs1865811145, ClinGen allele CA382619020.

ClinVar aggregate classification (germline): Uncertain significance. Review status: criteria provided, multiple submitters, no conflicts (2 of 4 stars). 3 submissions from 3 submitters: Uncertain significance (3). Last evaluated 2026-07-06.

Conditions:
Cowden syndrome 3 (CWS3). Identifiers: Orphanet 201, MedGen CN166604, MONDO:0014045.
Carney-Stratakis syndrome. Also called: PARAGANGLIOMA AND GASTROINTESTINAL STROMAL TUMOR. Identifiers: Orphanet 97286, MedGen C1847319, MONDO:0011740, OMIM 606864.
Pheochromocytoma. Also called: MAX-Related Hereditary Paraganglioma-Pheochromocytoma Syndrome. Identifiers: Orphanet 29072, MedGen C0031511, MONDO:0008233, OMIM 171300, HP:0002666.
Paragangliomas with sensorineural hearing loss. Identifiers: MedGen C1868633.
Hereditary cancer-predisposing syndrome. Also called: Hereditary neoplastic syndrome; Hereditary Cancer Syndrome; Neoplastic Syndromes, Hereditary; Tumor predisposition. Identifiers: Orphanet 140162, MedGen C0027672, MeSH D009386, MONDO:0015356.

Submissions (3):

Ambry Genetics
Classification: Uncertain significance for Hereditary cancer-predisposing syndrome. Last evaluated: 2026-07-06. Review status: criteria provided, single submitter. Criteria: Ambry Variant Classification Scheme 2023. Collection method: clinical testing. Allele origin: germline.
Comment: The p.A124S variant (also known as c.370G>T), located in coding exon 4 of the SDHD gene, results from a G to T substitution at nucleotide position 370. The alanine at codon 124 is replaced by serine, an amino acid with similar properties. This amino acid position is conserved. In addition, this alteration is predicted to be deleterious by in silico analysis. Based on the available evidence, the clinical significance of this variant remains unclear.

Labcorp Genetics (formerly Invitae), Labcorp
Classification: Uncertain significance for Carney-Stratakis syndrome; Paragangliomas with sensorineural hearing loss; Pheochromocytoma; Cowden syndrome 3. Last evaluated: 2023-05-05. Review status: criteria provided, single submitter. Criteria: Invitae Variant Classification Sherloc (09022015). Collection method: clinical testing. Allele origin: germline.
Comment: In summary, the available evidence is currently insufficient to determine the role of this variant in disease. Therefore, it has been classified as a Variant of Uncertain Significance. Advanced modeling of protein sequence and biophysical properties (such as structural, functional, and spatial information, amino acid conservation, physicochemical variation, residue mobility, and thermodynamic stability) has been performed at Invitae for this missense variant, however the output from this modeling did not meet the statistical confidence thresholds required to predict the impact of this variant on SDHD protein function. This variant has not been reported in the literature in individuals affected with SDHD-related conditions. This variant is not present in population databases (gnomAD no frequency). This sequence change replaces alanine, which is neutral and non-polar, with serine, which is neutral and polar, at codon 124 of the SDHD protein (p.Ala124Ser).

GeneDx
Classification: Uncertain significance. Last evaluated: 2023-03-16. Review status: criteria provided, single submitter. Criteria: GeneDx Variant Classification Process June 2021. Collection method: clinical testing. Allele origin: germline. Affected: yes.
Comment: Not observed at significant frequency in large population cohorts (gnomAD); In silico analysis supports that this missense variant does not alter protein structure/function; Has not been previously published as pathogenic or benign to our knowledge